The following is an entry in ClinVar:

ClinVar aggregate classification (germline): Uncertain significance (1 of 4 stars; one submission).

Conditions:
Inborn genetic diseases. Identifiers: MedGen C0950123, MeSH D030342.

Allele frequency attached by ClinVar (database versions not stated): ExAC 0.00001; gnomAD 0.00001; TOPMed 0.00001; ESP Exome Variant Server 0.00008; 1000 Genomes Project 30x 0.00016; 1000 Genomes Project 0.00020.
gnomAD v4.1: 1 of 1,613,996 alleles (0.000062%); highest among the groups gnomAD compares: African/African-American, 0.0013%; no homozygotes.

Submission:

Ambry Genetics
Classification: Uncertain significance for Inborn genetic diseases. Last evaluated: 2018-01-22. Review status: criteria provided, single submitter. Criteria: Ambry Variant Classification Scheme 2023. Collection method: clinical testing. Allele origin: germline.
Comment: The p.M76T variant (also known as c.227T>C), located in coding exon 2 of the KCTD7 gene, results from a T to C substitution at nucleotide position 227. The methionine at codon 76 is replaced by threonine, an amino acid with similar properties. This amino acid position is highly conserved in available vertebrate species. In addition, this alteration is predicted to be tolerated by in silico analysis. Since supporting evidence is limited at this time, the clinical significance of this alteration remains unclear.

NM_153033.5(KCTD7):c.227T>C (p.Met76Thr)

Gene: KCTD7 (potassium channel tetramerization domain containing 7; plus strand). Cytogenetic location: 7q11.21.
Variant type: single nucleotide variant.
Coding change: c.227T>C on transcript NM_153033.5 (MANE Select); coding-DNA position 227, T replaced by C.
Protein change: p.Met76Thr; replaces methionine 76 with threonine.
Molecular consequence: missense variant.
Genome position (GRCh38, 1-based): chr7:66,633,357, T>C. VCF-style: chr7-66633357-T-C. GRCh37 (hg19) VCF-style: chr7-66098344-T-C.
Other names: c.227T>C, p.Met76Thr (NM_001167961.2); short protein forms M76T.
Identifiers: ClinVar variation 1788922 (VCV001788922.2), dbSNP rs138642014, ClinGen allele CA4278206.